The following is an entry in ClinVar:

NM_152703.5(SAMD9L):c.3269G>A (p.Arg1090Lys)

Gene: SAMD9L (sterile alpha motif domain containing 9 like; minus strand). Cytogenetic location: 7q21.2.
Variant type: single nucleotide variant.
Coding change: c.3269G>A on transcript NM_152703.5 (MANE Select); coding-DNA position 3269, G replaced by A.
Protein change: p.Arg1090Lys; replaces arginine 1090 with lysine.
Molecular consequence: missense variant.
Genome position (GRCh38, 1-based): chr7:93,132,703, C>T on the plus strand (G>A on the coding strand, the complement: SAMD9L is on the minus strand). VCF-style: chr7-93132703-C-T. GRCh37 (hg19) VCF-style: chr7-92762016-C-T.
Other names: c.3269G>A (NM_152703.2, NM_152703.3); c.3269G>A, p.Arg1090Lys (NM_001303496.3, NM_001303497.3, NM_001303498.3 and 5 more transcripts); short protein forms R1090K.
Identifiers: ClinVar variation 1336745 (VCV001336745.36), dbSNP rs753749828, ClinGen allele CA4343474.

ClinVar aggregate classification (germline): Conflicting classifications of pathogenicity. Review status: criteria provided, conflicting classifications (1 of 4 stars). 7 submissions from 7 submitters: Uncertain significance (5); Likely benign (2). Last evaluated 2026-05-13.

Conditions:
SAMD9L-related disorder. Also called: SAMD9L-related condition; SAMD9L-related disorders.
Inborn genetic diseases. Identifiers: MedGen C0950123, MeSH D030342.

Allele frequency attached by ClinVar (database versions not stated): gnomAD 0.00003; TOPMed 0.00003; gnomAD exomes 0.00004 and 0.00005; ExAC 0.00006.
gnomAD v4.1: 75 of 1,613,736 alleles (0.0046%); highest among the groups gnomAD compares: Middle Eastern, 0.066%; no homozygotes.

Submissions (7):

PreventionGenetics, part of Exact Sciences
Classification: Uncertain significance for SAMD9L-related condition. Last evaluated: 2026-05-13. Review status: criteria provided, single submitter. Criteria: ACMG Guidelines, 2015. Collection method: clinical testing. Allele origin: germline.
Comment: The SAMD9L c.3269G>A variant is predicted to result in the amino acid substitution p.Arg1090Lys. To our knowledge, this variant has not been reported in the literature. This variant is reported in 0.0078% of alleles in individuals of European (Non-Finnish) descent in gnomAD. At this time, the clinical significance of this variant is uncertain due to the absence of conclusive functional and genetic evidence.

Labcorp Genetics (formerly Invitae), Labcorp
Classification: Uncertain significance. Last evaluated: 2026-01-06. Review status: criteria provided, single submitter. Criteria: Invitae Variant Classification Sherloc (09022015). Collection method: clinical testing. Allele origin: germline.
Comment: This sequence change replaces arginine, which is basic and polar, with lysine, which is basic and polar, at codon 1090 of the SAMD9L protein (p.Arg1090Lys). This variant is present in population databases (rs753749828, gnomAD 0.008%). This variant has not been reported in the literature in individuals affected with SAMD9L-related conditions. ClinVar contains an entry for this variant (Variation ID: 1336745). Invitae Evidence Modeling of protein sequence and biophysical properties (such as structural, functional, and spatial information, amino acid conservation, physicochemical variation, residue mobility, and thermodynamic stability) indicates that this missense variant is expected to disrupt SAMD9L protein function with a positive predictive value of 80%. In summary, the available evidence is currently insufficient to determine the role of this variant in disease. Therefore, it has been classified as a Variant of Uncertain Significance.

Ambry Genetics
Classification: Likely benign for Inborn genetic diseases. Last evaluated: 2025-10-29. Review status: criteria provided, single submitter. Criteria: Ambry Variant Classification Scheme 2023. Collection method: clinical testing. Allele origin: germline.

GeneDx
Classification: Uncertain significance. Last evaluated: 2024-05-05. Review status: criteria provided, single submitter. Criteria: GeneDx Variant Classification Process June 2021. Collection method: clinical testing. Allele origin: germline. Affected: yes.
Comment: In silico analysis supports that this missense variant has a deleterious effect on protein structure/function; Has not been previously published as pathogenic or benign to our knowledge; This variant is associated with the following publications: (PMID: 28545555)

Blueprint Genetics
Classification: Likely benign. Last evaluated: 2023-10-04. Review status: criteria provided, single submitter. Criteria: ACMG Guidelines, 2015. Collection method: clinical testing. Allele origin: germline.

CeGaT Center for Human Genetics Tuebingen
Classification: Uncertain significance. Last evaluated: 2022-10-01. Review status: criteria provided, single submitter. Criteria: CeGaT Center For Human Genetics Tuebingen Variant Classification Criteria Version 2. Collection method: clinical testing. Allele origin: germline. Affected: yes. Observed: 1 variant allele.
Comment: SAMD9L: PM2:Supporting, BP4

Genetic Services Laboratory, University of Chicago
Classification: Uncertain significance. Last evaluated: 2021-01-07. Review status: criteria provided, single submitter. Criteria: ACMG Guidelines, 2015. Collection method: clinical testing. Allele origin: germline. Affected: no.
Comment: DNA sequence analysis of the SAMD9L gene demonstrated a sequence change, c.3269G>A, in exon 5 that results in an amino acid change, p.Arg1090Lys. This sequence change does not appear to have been previously described in individuals with SAMD9L-related disorders and has been described in the gnomAD database with a frequency of 0.008% in the European sub-population (dbSNP rs753749828). The p.Arg1090Lys change affects a highly conserved amino acid residue located in a domain of the SAMD9L protein that is not known to be functional. The p.Arg1090Lys substitution appears to be deleterious using several in-silico pathogenicity prediction tools (SIFT, PolyPhen2, Align GVGD, REVEL). Due to these contrasting evidences and the lack of functional studies, the clinical significance of the p.Arg1090Lys change remains unknown at this time.